The following is an entry in ClinVar:

NM_021969.3(NR0B2):c.553G>A (p.Ala185Thr)

Genes: NUDC (nuclear distribution C, dynein complex regulator; plus strand), NR0B2 (nuclear receptor subfamily 0 group B member 2; minus strand). Cytogenetic location: 1p36.11.
Variant type: single nucleotide variant.
Coding change: c.553G>A on transcript NM_021969.3 (MANE Select); coding-DNA position 553, G replaced by A.
Protein change: p.Ala185Thr; replaces alanine 185 with threonine.
Molecular consequence: missense variant.
Genome position (GRCh38, 1-based): chr1:26,912,066, C>T on the plus strand (G>A on the coding strand, the complement: NR0B2 is on the minus strand). VCF-style: chr1-26912066-C-T. GRCh37 (hg19) VCF-style: chr1-27238557-C-T.
Other names: c.553G>A (NM_021969.2); short protein forms A185T.
Identifiers: ClinVar variation 2731775 (VCV002731775.5), dbSNP rs199619628, ClinGen allele CA709585.

ClinVar aggregate classification (germline): Uncertain significance. Review status: criteria provided, multiple submitters, no conflicts (2 of 4 stars). 3 submissions from 3 submitters: Uncertain significance (2). 1 of the submissions does not count toward it. Last evaluated 2025-12-10.

Conditions:
NR0B2-related disorder. Also called: NR0B2-related condition.

Allele frequency attached by ClinVar (database versions not stated): TOPMed 0.00004; gnomAD 0.00006; ESP Exome Variant Server 0.00008; 1000 Genomes Project 30x 0.00016.
gnomAD v4.1: 184 of 1,613,836 alleles (0.011%); highest among the groups gnomAD compares: South Asian, 0.013%; no homozygotes.

Submissions (3):

Ambry Genetics
Classification: Uncertain significance. Last evaluated: 2025-12-10. Review status: criteria provided, single submitter. Criteria: Ambry Variant Classification Scheme 2023. Collection method: clinical testing. Allele origin: germline.

Labcorp Genetics (formerly Invitae), Labcorp
Classification: Uncertain significance. Last evaluated: 2023-08-16. Review status: criteria provided, single submitter. Criteria: Invitae Variant Classification Sherloc (09022015). Collection method: clinical testing. Allele origin: germline.
Comment: This variant has not been reported in the literature in individuals affected with NR0B2-related conditions. This sequence change replaces alanine, which is neutral and non-polar, with threonine, which is neutral and polar, at codon 185 of the NR0B2 protein (p.Ala185Thr). This variant is present in population databases (rs199619628, gnomAD 0.01%). Advanced modeling of protein sequence and biophysical properties (such as structural, functional, and spatial information, amino acid conservation, physicochemical variation, residue mobility, and thermodynamic stability) performed at Invitae indicates that this missense variant is not expected to disrupt NR0B2 protein function. In summary, the available evidence is currently insufficient to determine the role of this variant in disease. Therefore, it has been classified as a Variant of Uncertain Significance.

PreventionGenetics, part of Exact Sciences
Classification: Uncertain significance for NR0B2-related condition. Last evaluated: 2024-08-27. Review status: no assertion criteria provided. Collection method: clinical testing. Allele origin: germline. Not counted in ClinVar's aggregate classification.
Comment: The NR0B2 c.553G>A variant is predicted to result in the amino acid substitution p.Ala185Thr. To our knowledge, this variant has not been reported in the literature. This variant is reported in 0.011% of alleles in individuals of Latino descent in gnomAD. At this time, the clinical significance of this variant is uncertain due to the absence of conclusive functional and genetic evidence.